The following is an entry in ClinVar:

NM_000535.7(PMS2):c.631C>T (p.Arg211Ter)

Gene: PMS2 (PMS1 homolog 2, mismatch repair system component; minus strand). Cytogenetic location: 7p22.1.
Variant type: single nucleotide variant.
Coding change: c.631C>T on transcript NM_000535.7 (MANE Select); coding-DNA position 631, C replaced by T.
Protein change: p.Arg211Ter; replaces arginine 211 with a stop codon.
Molecular consequence: nonsense. On other transcripts: 5 prime UTR variant (2), non-coding transcript variant (1), intron variant (1).
Genome position (GRCh38, 1-based): chr7:5,999,182, G>A on the plus strand (C>T on the coding strand, the complement: PMS2 is on the minus strand). VCF-style: chr7-5999182-G-A. GRCh37 (hg19) VCF-style: chr7-6038813-G-A.
Other names: c.226C>T, p.Arg76Ter (NM_001322003.2, NM_001322004.2, NM_001322005.2 and 2 more transcripts); c.631C>T, p.Arg211Ter (NM_001322006.2, NM_001322014.2); c.313C>T, p.Arg105Ter (NM_001322007.2, NM_001322008.2); c.-303C>T (NM_001322011.2, NM_001322012.2); c.322C>T, p.Arg108Ter (NM_001322015.2); c.133-1759C>T (NM_001322013.2); short protein forms R211*, R76*, R105*, R108*.
Identifiers: ClinVar variation 234508 (VCV000234508.54), dbSNP rs760228510, ClinGen allele CA050695.

ClinVar aggregate classification (germline): Pathogenic. Review status: criteria provided, multiple submitters, no conflicts (2 of 4 stars). 16 submissions from 16 submitters: Pathogenic (15). 1 of the submissions does not count toward it. Last evaluated 2026-01-18.

Conditions:
Mismatch repair cancer syndrome 4. Identifiers: MedGen C5436817, MONDO:0030843, OMIM 619101.
Hereditary nonpolyposis colorectal neoplasms. Identifiers: MedGen C0009405, MeSH D003123.
Inherited MMR deficiency (Lynch syndrome).
PMS2-related disorder. Also called: PMS2-related condition.
Hereditary cancer-predisposing syndrome. Also called: Neoplastic Syndromes, Hereditary; Hereditary Cancer Syndrome; Tumor predisposition; Hereditary neoplastic syndrome. Identifiers: Orphanet 140162, MedGen C0027672, MeSH D009386, MONDO:0015356.
Gastric cancer. Also called: Stomach cancer; Malignant tumor of stomach. Identifiers: MedGen C0024623, MeSH D013274, MONDO:0001056, OMIM 613659, HP:0012126.
Lynch syndrome. Identifiers: Orphanet 144, MedGen C4552100, MONDO:0005835. Disease mechanism: loss of function.
Lynch syndrome 4 (LYNCH4). Also called: Colorectal cancer, hereditary nonpolyposis, type 4; Hereditary non-polyposis colorectal cancer, type 4. Identifiers: Orphanet 144, MedGen C1838333, MONDO:0013699, OMIM 614337. Disease mechanism: loss of function.

Allele frequency attached by ClinVar (database versions not stated): ExAC 0.00001.

Submissions (16):

Labcorp Genetics (formerly Invitae), Labcorp
Classification: Pathogenic for Hereditary nonpolyposis colorectal neoplasms. Last evaluated: 2026-01-18. Review status: criteria provided, single submitter. Criteria: Invitae Variant Classification Sherloc (09022015). Collection method: clinical testing. Allele origin: germline.
Comment: This sequence change creates a premature translational stop signal (p.Arg211*) in the PMS2 gene. It is expected to result in an absent or disrupted protein product. Loss-of-function variants in PMS2 are known to be pathogenic (PMID: 21376568, 24362816). This variant is not present in population databases (gnomAD no frequency). This premature translational stop signal has been observed in individual(s) with Lynch syndrome (PMID: 27273229). Invitae Evidence Modeling of clinical and family history, age, sex, and reported ancestry of multiple individuals with this PMS2 variant has been performed. This variant is expected to be pathogenic with a positive predictive value of at least 99%. This is a validated machine learning model that incorporates the clinical features of 1,627,235 individuals referred to our laboratory for PMS2 testing. ClinVar contains an entry for this variant (Variation ID: 234508). RNA analysis performed to evaluate the impact of this premature translational stop signal on mRNA splicing indicates it does not significantly alter splicing (internal data). For these reasons, this variant has been classified as Pathogenic.

Dasa
Classification: Pathogenic. Last evaluated: 2025-12-02. Review status: criteria provided, single submitter. Criteria: DASA Assertion Criteria. Collection method: clinical testing. Allele origin: germline.
Comment: NM_000535.7(PMS2):c.631C>T (p.Arg211Ter) introduces a premature termination codon predicted to result in loss of normal protein function. Loss-of-function is an established mechanism of disease for this gene. This variant has been recurrently observed in individuals with related phenotype (PMID: 31101557; PMID: 31992580; PMID: 31118792; PMID: 29667044). The variant is present at low frequency in population datasets. Based on the available data, this variant is classified as pathogenic.

CeGaT Center for Human Genetics Tuebingen
Classification: Pathogenic. Last evaluated: 2025-11-01. Review status: criteria provided, single submitter. Criteria: CeGaT Center For Human Genetics Tuebingen Variant Classification Criteria Version 2. Collection method: clinical testing. Allele origin: germline. Affected: yes. Observed: 1 variant allele.
Comment: PMS2: PVS1, PS4, PM2

Cambridge Genomics Laboratory, East Genomic Laboratory Hub, NHS Genomic Medicine Service
Classification: Pathogenic for Inherited MMR deficiency (Lynch syndrome). Last evaluated: 2025-10-03. Review status: criteria provided, single submitter. Criteria: ACGS Best Practice Guidelines for Variant Classification in Rare Disease 2020. Collection method: clinical testing. Allele origin: germline. Affected: yes.
Comment: PVS1,PM2_Supporting,PP4_Strong

Ambry Genetics
Classification: Pathogenic for Hereditary cancer-predisposing syndrome. Last evaluated: 2025-07-09. Review status: criteria provided, single submitter. Criteria: Ambry Variant Classification Scheme 2023. Collection method: clinical testing. Allele origin: germline.
Comment: The p.R211* pathogenic mutation (also known as c.631C>T), located in coding exon 6 of the PMS2 gene, results from a C to T substitution at nucleotide position 631. This changes the amino acid from an arginine to a stop codon within coding exon 6. This variant is considered to be rare based on population cohorts in the Genome Aggregation Database (gnomAD). This alteration is expected to result in loss of function by premature protein truncation or nonsense-mediated mRNA decay. As such, this alteration is interpreted as a disease-causing mutation.

Color Diagnostics, LLC DBA Color Health
Classification: Pathogenic for Hereditary cancer-predisposing syndrome. Last evaluated: 2024-03-25. Review status: criteria provided, single submitter. Criteria: ACMG Guidelines, 2015. Collection method: clinical testing. Allele origin: germline.
Comment: This variant changes 1 nucleotide in exon 6 of the PMS2 gene, creating a premature translation stop signal. This variant is expected to result in an absent or non-functional protein product. To our knowledge, functional studies have not been reported for this variant. This variant has been identified in multiple individuals affected with Lynch syndrome or Lynch syndrome-associated disease (PMID: 27273229, 29667044, 30521064, 30729418, 31101557). Tumor studies from affected individuals have shown high microsatellite instability or loss of PMS2 protein via immunohistochemistry analysis (PMID: 31101557). This variant has not been identified in the general population by the Genome Aggregation Database (gnomAD). Loss of PMS2 function is a known mechanism of disease. Based on the available evidence, this variant is classified as Pathogenic.

Baylor Genetics
Classification: Pathogenic for Lynch syndrome 4. Last evaluated: 2024-02-02. Review status: criteria provided, single submitter. Criteria: ACMG Guidelines, 2015. Collection method: clinical testing. Allele origin: unknown.

Myriad Genetics, Inc.
Classification: Pathogenic for Lynch syndrome 4. Last evaluated: 2023-09-19. Review status: criteria provided, single submitter. Criteria: Myriad Autosomal Dominant, Autosomal Recessive and X-Linked Classification Criteria (2023). Collection method: clinical testing. Allele origin: unknown.
Comment: This variant is considered pathogenic. This variant creates a termination codon and is predicted to result in premature protein truncation.

Intergen Genetics and Rare Diseases Diagnosis Center
Classification: Pathogenic for Mismatch repair cancer syndrome 4. Last evaluated: 2023-07-20. Review status: criteria provided, single submitter. Criteria: ACMG Guidelines, 2015. Collection method: clinical testing. Allele origin: germline. Inheritance: Autosomal recessive inheritance. Observed: 1 heterozygote.

Blueprint Genetics
Classification: Pathogenic for PMS2-related disorders. Last evaluated: 2023-02-24. Review status: criteria provided, single submitter. Criteria: ACMG Guidelines, 2015. Collection method: clinical testing. Allele origin: germline. Affected: yes. Observed: 1 variant allele.

Laboratory for Molecular Medicine, Mass General Brigham Personalized Medicine
Classification: Pathogenic for Lynch syndrome. Last evaluated: 2023-02-02. Review status: criteria provided, single submitter. Criteria: ACMG Guidelines, 2015. Collection method: clinical testing. Allele origin: germline.
Comment: The p.Arg211X variant in PMS2 has been reported in at least 4 individuals affected with colorectal cancer (Buchanan 2017 PMID: 27273229, Siraj 2017 PMID: 28975465, Ohmoto 2018 PMID: 29667044, Jiang 2019 PMID: 30521064); one of those individuals was also affected with pancreatic cancer (Ohmoto 2018 PMID: 29667044). This variant has also been reported in ClinVar (Variation ID 234508) and was absent from large population studies. This nonsense variant leads to a premature termination codon at position 211, which is predicted to lead to a truncated or absent protein. Loss of function of the PMS2 gene is an established disease mechanism in autosomal dominant Lynch syndrome. In summary, this variant meets criteria to be classified as pathogenic for autosomal dominant Lynch syndrome. ACMG/AMP Criteria applied: PM2_Supporting, PS4_Supporting, PVS1.

GeneDx
Classification: Pathogenic. Last evaluated: 2022-07-29. Review status: criteria provided, single submitter. Criteria: GeneDx Variant Classification Process June 2021. Collection method: clinical testing. Allele origin: germline. Affected: yes.
Comment: Nonsense variant predicted to result in protein truncation or nonsense mediated decay in a gene for which loss-of-function is a known mechanism of disease; Not observed at significant frequency in large population cohorts (gnomAD); Truncating variants in this gene are considered pathogenic by a well-established clinical consortium and/or database; Identified in several individuals with colorectal cancer whose tumors demonstrated absence of PMS2 expression on immunohistochemistry or met Bethesda criteria (Buchanan et al., 2017; Ohmoto et al., 2018; Jiang et al., 2019; Wang et al., 2020); This variant is associated with the following publications: (PMID: 27273229, 28975465, 30521064, 29667044, 31992580, 30787465)

Quest Diagnostics Nichols Institute San Juan Capistrano
Classification: Pathogenic. Last evaluated: 2022-01-29. Review status: criteria provided, single submitter. Criteria: Quest Diagnostics criteria. Collection method: clinical testing. Allele origin: unknown.
Comment: This nonsense variant causes the premature termination of PMS2 protein synthesis. This variant has not been reported in large, multi-ethnic general populations. In the published literature, the variant has been reported in individuals with Lynch syndrome and breast cancer, as well as in unaffected controls (PMIDs: 33471991 (2021), 31992580 (2020), 31118792 (2019), 31101557 (2019), 30729418 (2019), 30521064 (2019), 29667044 (2018), 28975465 (2017), 27273229 (2017)). Based on the available information, this variant is classified as pathogenic.

Revvity Omics, Revvity
Classification: Pathogenic. Last evaluated: 2022-01-29. Review status: criteria provided, single submitter. Criteria: ACMG Guidelines, 2015. Collection method: clinical testing. Allele origin: germline.

Women's Health and Genetics/Laboratory Corporation of America, LabCorp
Classification: Pathogenic for Lynch syndrome. Last evaluated: 2020-02-13. Review status: criteria provided, single submitter. Criteria: LabCorp Variant Classification Summary - May 2015. Collection method: clinical testing. Allele origin: germline.
Comment: Variant summary: PMS2 c.631C>T (p.Arg211X) results in a premature termination codon, predicted to cause a truncation of the encoded protein or absence of the protein due to nonsense mediated decay, which are commonly known mechanisms for disease. Truncations downstream of this position have been classified as pathogenic by our laboratory. The variant was absent in 251494 control chromosomes. c.631C>T has been reported in the literature in individuals affected with colorectal cancer, pancreatic ductal adenocarcinoma, or breast cancer (Jiang_2019, Buchanan_2016, Ohmoto_2018, Siraj_2017). These data indicate that the variant is likely to be associated with disease. Four clinical diagnostic laboratories have submitted clinical-significance assessments for this variant to ClinVar after 2014 without evidence for independent evaluation. All laboratories classified the variant as pathogenic. Based on the evidence outlined above, the variant was classified as pathogenic.

Laboratory for Genotyping Development, RIKEN
Classification: Pathogenic for Gastric cancer. Last evaluated: 2021-07-01. Review status: no assertion criteria provided. Collection method: research. Allele origin: germline. Not counted in ClinVar's aggregate classification.

Literature cited by the submitters: PubMed 21376568 (cited by Labcorp Genetics (formerly Invitae), Labcorp); PubMed 24362816 (cited by Labcorp Genetics (formerly Invitae), Labcorp); PubMed 27273229 (cited by 4 submitters); PubMed 31101557 (cited by 3 submitters); PubMed 31992580 (cited by Dasa and Quest Diagnostics Nichols Institute San Juan Capistrano); PubMed 31118792 (cited by Dasa and Quest Diagnostics Nichols Institute San Juan Capistrano); PubMed 29667044 (cited by 4 submitters); PubMed 30521064 (cited by 3 submitters); PubMed 30729418 (cited by Color Diagnostics, LLC DBA Color Health and Quest Diagnostics Nichols Institute San Juan Capistrano); PubMed 33471991 (cited by Quest Diagnostics Nichols Institute San Juan Capistrano); PubMed 28975465 (cited by Quest Diagnostics Nichols Institute San Juan Capistrano and Women's Health and Genetics/Laboratory Corporation of America, LabCorp); PubMed 36988593 (cited by Laboratory for Genotyping Development, RIKEN).